The following is an entry in ClinVar:

NM_000550.3(TYRP1):c.643C>T (p.His215Tyr)

Gene: TYRP1 (tyrosinase related protein 1; plus strand). Cytogenetic location: 9p23.
Variant type: single nucleotide variant.
Coding change: c.643C>T on transcript NM_000550.3 (MANE Select); coding-DNA position 643, C replaced by T.
Protein change: p.His215Tyr; replaces histidine 215 with tyrosine.
Molecular consequence: missense variant.
Genome position (GRCh38, 1-based): chr9:12,695,772, C>T. VCF-style: chr9-12695772-C-T. GRCh37 (hg19) VCF-style: chr9-12695772-C-T.
Other names: c.643C>T (NM_000550.2); short protein forms H215Y.
Identifiers: ClinVar variation 2735261 (VCV002735261.7), dbSNP rs1160525621, ClinGen allele CA372937947.

ClinVar aggregate classification (germline): Conflicting classifications of pathogenicity. Review status: criteria provided, conflicting classifications (1 of 4 stars). 3 submissions from 3 submitters: Pathogenic (1); Likely pathogenic (1); Uncertain significance (1). Last evaluated 2026-08-12.

Allele frequency attached by ClinVar (database versions not stated): gnomAD 0.00002.

Submissions (3):

GeneDx
Classification: Pathogenic. Last evaluated: 2026-08-12. Review status: criteria provided, single submitter. Criteria: GeneDx Variant Classification Process June 2021. Collection method: clinical testing. Allele origin: germline.
Comment: Published functional studies found this variant is associated with significantly reduced enzyme activity, protein expression, and protein stability (PMID: 36412553); Not observed at significant frequency in large population cohorts (gnomAD); In silico analysis supports that this missense variant has a deleterious effect on protein structure/function; This variant is associated with the following publications: (PMID: 42278487, Yousefi_2025, 34638544, 21739261, 36412553)

Women's Health and Genetics/Laboratory Corporation of America, LabCorp
Classification: Uncertain significance. Last evaluated: 2025-06-24. Review status: criteria provided, single submitter. Criteria: LabCorp Variant Classification Summary - May 2015. Collection method: clinical testing. Allele origin: germline.
Comment: Variant summary: TYRP1 c.643C>T (p.His215Tyr) results in a conservative amino acid change located in the Tyrosinase copper-binding domain (IPR002227) of the encoded protein sequence. Algorithms developed to predict the effect of missense changes on protein structure and function are either unavailable or do not agree on the potential impact of this missense change. The variant allele was found at a frequency of 4e-06 in 250234 control chromosomes. c.643C>T has been observed in at least one compound heterozygous individual affected with Oculocutaneous albinism type 3 (e.g. Zhang_2011). These data do not allow any conclusion about variant significance. At least one publication reports experimental evidence evaluating an impact on protein function. The most pronounced variant effect results in approximately 30% of normal enzyme activity (e.g. Dolinska_2023). The following publications have been ascertained in the context of this evaluation (PMID: 36412553, 34638544, 21739261). ClinVar contains an entry for this variant (Variation ID: 2735261). Based on the evidence outlined above, the variant was classified as VUS-possibly pathogenic.

Labcorp Genetics (formerly Invitae), Labcorp
Classification: Likely pathogenic. Last evaluated: 2023-06-29. Review status: criteria provided, single submitter. Criteria: Invitae Variant Classification Sherloc (09022015). Collection method: clinical testing. Allele origin: germline.
Comment: The frequency data for this variant in the population databases is considered unreliable, as metrics indicate poor data quality at this position in the gnomAD database. This missense change has been observed in individual(s) with oculocutaneous albinism (PMID: 21739261). In at least one individual the variant was observed to be de novo. This sequence change replaces histidine, which is basic and polar, with tyrosine, which is neutral and polar, at codon 215 of the TYRP1 protein (p.His215Tyr). Advanced modeling of protein sequence and biophysical properties (such as structural, functional, and spatial information, amino acid conservation, physicochemical variation, residue mobility, and thermodynamic stability) performed at Invitae indicates that this missense variant is expected to disrupt TYRP1 protein function. In summary, the currently available evidence indicates that the variant is pathogenic, but additional data are needed to prove that conclusively. Therefore, this variant has been classified as Likely Pathogenic. Experimental studies have shown that this missense change affects TYRP1 function (PMID: 34638544).

Literature cited by the submitters: PubMed 36412553 (cited by Women's Health and Genetics/Laboratory Corporation of America, LabCorp); PubMed 34638544 (cited by Women's Health and Genetics/Laboratory Corporation of America, LabCorp and Labcorp Genetics (formerly Invitae), Labcorp); PubMed 21739261 (cited by Women's Health and Genetics/Laboratory Corporation of America, LabCorp and Labcorp Genetics (formerly Invitae), Labcorp).